The following is an entry in ClinVar:

ClinVar aggregate classification (germline): Benign (1 of 4 stars; one submission).

Submission:

GeneDx
Classification: Benign. Last evaluated: 2018-06-12. Review status: criteria provided, single submitter. Criteria: GeneDx Variant Classification (06012015). Collection method: clinical testing. Allele origin: germline. Affected: yes.
Comment: This variant is considered likely benign or benign based on one or more of the following criteria: it is a conservative change, it occurs at a poorly conserved position in the protein, it is predicted to be benign by multiple in silico algorithms, and/or has population frequency not consistent with disease.

NM_001042472.3(ABHD12):c.-40_-39insGGCGGAGGC

Genes: ABHD12 (abhydrolase domain containing 12, lysophospholipase; minus strand), LOC130065586 (ATAC-STARR-seq lymphoblastoid silent region 12752; plus strand). Cytogenetic location: 20p11.21.
Variant type: Insertion.
Coding change: c.-40_-39insGGCGGAGGC on transcript NM_001042472.3 (MANE Select); 40 bases upstream of the start codon through 39 bases upstream of the start codon, GGCGGAGGC inserted.
Molecular consequence: 5 prime UTR variant.
Genome position: GRCh38 VCF-style: chr20-25390742-G-GGCCTCCGCC. GRCh37 (hg19) VCF-style: chr20-25371378-G-GGCCTCCGCC.
Other names: c.-40_-39insGGCGGAGGC (NM_015600.5).
Identifiers: ClinVar variation 337999 (VCV000337999.6), dbSNP rs3833297, ClinGen allele CA9796339.
Genomic context (GRCh38, chr20:25,390,742, plus strand): 5'-CGGGCTCGGTCCGCTTCCTCATCCCGCGGCCGACAGGGCCAGCCGCCGACGGCGCCCGCT[G>GGCCTCCGCC]GCCTGCGCCGCAGTGCCGCCGCTCACAGCCGCCGCCACCCAGAGCCCGGAGCCCGGAACC-3'